The following is an entry in ClinVar:

NM_001753.5(CAV1):c.429C>A (p.Cys143Ter)

Gene: CAV1 (caveolin 1; plus strand). Cytogenetic location: 7q31.2.
Variant type: single nucleotide variant.
Coding change: c.429C>A on transcript NM_001753.5 (MANE Select); coding-DNA position 429, C replaced by A.
Protein change: p.Cys143Ter; replaces cysteine 143 with a stop codon.
Molecular consequence: nonsense.
Genome position (GRCh38, 1-based): chr7:116,559,179, C>A. VCF-style: chr7-116559179-C-A. GRCh37 (hg19) VCF-style: chr7-116199233-C-A.
Other names: c.336C>A, p.Cys112Ter (NM_001172895.1, NM_001172896.2, NM_001172897.2); short protein forms C143*, C112*.
Identifiers: ClinVar variation 4995335 (VCV004995335.1).

ClinVar aggregate classification (germline): Likely pathogenic (1 of 4 stars; one submission).

Conditions:
CAV1-related disorder. Also called: CAV1-related condition.

Submission:

PreventionGenetics, part of Exact Sciences
Classification: Likely pathogenic for CAV1-related condition. Last evaluated: 2026-01-05. Review status: criteria provided, single submitter. Criteria: ACMG Guidelines, 2015. Collection method: clinical testing. Allele origin: germline.
Comment: The CAV1 c.429C>A variant is predicted to result in premature protein termination (p.Cys143*). To our knowledge, this variant has not been reported in the literature or in a large population database (gnomAD), indicating this variant is rare. Nonsense variants in CAV1 are expected to be pathogenic. This variant is interpreted as likely pathogenic.